The following is an entry in ClinVar:

NM_004380.3(CREBBP):c.2854G>T (p.Val952Leu)

Gene: CREBBP (CREB binding lysine acetyltransferase; minus strand). Cytogenetic location: 16p13.3.
Variant type: single nucleotide variant.
Coding change: c.2854G>T on transcript NM_004380.3 (MANE Select); coding-DNA position 2854, G replaced by T.
Protein change: p.Val952Leu; replaces valine 952 with leucine.
Molecular consequence: missense variant.
Genome position (GRCh38, 1-based): chr16:3,770,596, C>A on the plus strand (G>T on the coding strand, the complement: CREBBP is on the minus strand). VCF-style: chr16-3770596-C-A. GRCh37 (hg19) VCF-style: chr16-3820597-C-A.
Other names: c.2740G>T, p.Val914Leu (NM_001079846.1); c.2854G>T (NM_004380.2); short protein forms V914L, V952L.
Identifiers: ClinVar variation 2165805 (VCV002165805.6), dbSNP rs369930675, ClinGen allele CA7870023.

ClinVar aggregate classification (germline): Conflicting classifications of pathogenicity. Review status: criteria provided, conflicting classifications (1 of 4 stars). 3 submissions from 3 submitters: Uncertain significance (1); Likely benign (2). Last evaluated 2026-03-06.

Conditions:
CREBBP-related disorder. Also called: CREBBP-related condition; CREBBP-related disorders.
Rubinstein-Taybi syndrome (RSTS). Identifiers: Orphanet 783, MedGen C0035934, MONDO:0019188.

gnomAD v4.1: 8 of 1,613,616 alleles (0.0005%); highest among the groups gnomAD compares: Non-Finnish European, 0.00068%; no homozygotes.

Submissions (3):

PreventionGenetics, part of Exact Sciences
Classification: Uncertain significance for CREBBP-related condition. Last evaluated: 2026-03-06. Review status: criteria provided, single submitter. Criteria: ACMG Guidelines, 2015. Collection method: clinical testing. Allele origin: germline.
Comment: The CREBBP c.2854G>T variant is predicted to result in the amino acid substitution p.Val952Leu. To our knowledge, this variant has not been reported in the literature. This variant is reported in 0.0018% of alleles in individuals of European (Non-Finnish) descent in gnomAD. At this time, the clinical significance of this variant is uncertain due to the absence of conclusive functional and genetic evidence.

Labcorp Genetics (formerly Invitae), Labcorp
Classification: Likely benign for Rubinstein-Taybi syndrome. Last evaluated: 2025-01-29. Review status: criteria provided, single submitter. Criteria: Invitae Variant Classification Sherloc (09022015). Collection method: clinical testing. Allele origin: germline.

Blueprint Genetics
Classification: Likely benign. Last evaluated: 2024-02-21. Review status: criteria provided, single submitter. Criteria: ACMG Guidelines, 2015. Collection method: clinical testing. Allele origin: germline.